The following is an entry in ClinVar:

NM_014714.4(IFT140):c.2755C>T (p.Arg919Trp)

Gene: IFT140 (intraflagellar transport 140; minus strand). Cytogenetic location: 16p13.3.
Variant type: single nucleotide variant.
Coding change: c.2755C>T on transcript NM_014714.4 (MANE Select); coding-DNA position 2755, C replaced by T.
Protein change: p.Arg919Trp; replaces arginine 919 with tryptophan.
Molecular consequence: missense variant.
Genome position (GRCh38, 1-based): chr16:1,525,900, G>A on the plus strand (C>T on the coding strand, the complement: IFT140 is on the minus strand). VCF-style: chr16-1525900-G-A. GRCh37 (hg19) VCF-style: chr16-1575901-G-A.
Other names: p.Arg919Trp; short protein forms R919W.
Identifiers: ClinVar variation 3236414 (VCV003236414.3), dbSNP rs548992623, ClinGen allele CA394227131.

ClinVar aggregate classification (germline): Uncertain significance. Review status: criteria provided, multiple submitters, no conflicts (2 of 4 stars). 2 submissions from 2 submitters: Uncertain significance (2). Last evaluated 2025-03-17.

Conditions:
Saldino-Mainzer syndrome (SRTD9). Also called: CONORENAL SYNDROME; Renal dysplasia, retinal pigmentary dystrophy, cerebellar ataxia and skeletal dysplasia; SHORT-RIB THORACIC DYSPLASIA 9 WITHOUT POLYDACTYLY; short-rib thoracic dysplasia 9 with or without polydactyly. Identifiers: Orphanet 140969, MedGen C1849437, MONDO:0009964, OMIM 266920.

gnomAD v4.1: 14 of 1,548,176 alleles (0.0009%); highest among the groups gnomAD compares: South Asian, 0.0036%; no homozygotes.

Submissions (2):

Mayo Clinic Laboratories, Mayo Clinic
Classification: Uncertain significance. Last evaluated: 2025-03-17. Review status: criteria provided, single submitter. Criteria: ACMG Guidelines, 2015. Collection method: clinical testing. Allele origin: germline. Observed: 1 variant allele.
Comment: BP4, PM2_supporting

Neuberg Centre For Genomic Medicine, NCGM
Classification: Uncertain significance for Saldino-Mainzer syndrome. Review status: criteria provided, single submitter. Criteria: ACMG Guidelines, 2015. Collection method: clinical testing. Allele origin: germline. Inheritance: Autosomal recessive inheritance. Affected: yes.
Comment: The missense c.2755C>T p.Arg919Trp variant in IFT140gene has not been reported previously as a pathogenic variant nor as a benign variant, to our knowledge. The p.Arg919Trp variant has allele frequency 0.0006% in gnomAD Exomes and is novel not in any individuals in 1000 Genomes. This variant has not been reported to the ClinVar database. The amino acid change p.Arg919Trp in IFT140 is predicted as conserved by GERP++ and PhyloP across 100 vertebrates. The amino acid Arg at position 919 is changed to a Trp changing protein sequence and it might alter its composition and physico-chemical properties. For these reasons, this variant has been classified as Variant of Uncertain Significance VUS.